The following is an entry in ClinVar:

ClinVar aggregate classification (germline): Uncertain significance (1 of 4 stars; one submission).

Conditions:
Spermatogenic failure 18. Identifiers: MedGen C4539783, MONDO:0054615, OMIM 617576.
Ciliary dyskinesia, primary, 37 (CILD37). Also called: CILIARY DYSKINESIA, PRIMARY, 37, WITH OR WITHOUT SITUS INVERSUS. Identifiers: MedGen C4539798, MONDO:0033204, OMIM 617577.

Allele frequency attached by ClinVar (database versions not stated): TOPMed 0.00005; gnomAD 0.00006 and 0.00009; gnomAD exomes 0.00006 and 0.00008; ESP Exome Variant Server 0.00008; ExAC 0.00017.
gnomAD v4.1: 97 of 1,603,394 alleles (0.006%); highest among the groups gnomAD compares: South Asian, 0.037%; no homozygotes.

Submission:

Labcorp Genetics (formerly Invitae), Labcorp
Classification: Uncertain significance for Ciliary dyskinesia, primary, 37; Spermatogenic failure 18. Last evaluated: 2024-10-16. Review status: criteria provided, single submitter. Criteria: Invitae Variant Classification Sherloc (09022015). Collection method: clinical testing. Allele origin: germline.
Comment: This sequence change replaces glycine, which is neutral and non-polar, with serine, which is neutral and polar, at codon 3788 of the DNAH1 protein (p.Gly3788Ser). The frequency data for this variant in the population databases is considered unreliable, as metrics indicate poor data quality at this position in the gnomAD database. This variant has not been reported in the literature in individuals affected with DNAH1-related conditions. ClinVar contains an entry for this variant (Variation ID: 1435105). Invitae Evidence Modeling of protein sequence and biophysical properties (such as structural, functional, and spatial information, amino acid conservation, physicochemical variation, residue mobility, and thermodynamic stability) indicates that this missense variant is expected to disrupt DNAH1 protein function with a positive predictive value of 80%. In summary, the available evidence is currently insufficient to determine the role of this variant in disease. Therefore, it has been classified as a Variant of Uncertain Significance.

NM_015512.5(DNAH1):c.11362G>A (p.Gly3788Ser)

Gene: DNAH1 (dynein axonemal heavy chain 1; plus strand). Cytogenetic location: 3p21.1.
Variant type: single nucleotide variant.
Coding change: c.11362G>A on transcript NM_015512.5 (MANE Select); coding-DNA position 11362, G replaced by A.
Protein change: p.Gly3788Ser; replaces glycine 3788 with serine.
Molecular consequence: missense variant.
Genome position (GRCh38, 1-based): chr3:52,396,470, G>A. VCF-style: chr3-52396470-G-A. GRCh37 (hg19) VCF-style: chr3-52430486-G-A.
Other names: short protein forms G3788S.
Identifiers: ClinVar variation 1435105 (VCV001435105.7), dbSNP rs376924974, ClinGen allele CA2436147.